The following is an entry in ClinVar:

ClinVar aggregate classification (germline): Uncertain significance. Review status: criteria provided, multiple submitters, no conflicts (2 of 4 stars). 2 submissions from 2 submitters: Uncertain significance (2). Last evaluated 2025-01-28.

gnomAD v4.1: 5 of 1,613,936 alleles (0.00031%); highest among the groups gnomAD compares: South Asian, 0.0022%; no homozygotes.

Submissions (2):

GeneDx
Classification: Uncertain significance. Last evaluated: 2025-01-28. Review status: criteria provided, single submitter. Criteria: GeneDx Variant Classification Process June 2021. Collection method: clinical testing. Allele origin: germline. Affected: yes.
Comment: Not observed at significant frequency in large population cohorts (gnomAD); In silico analysis supports that this missense variant has a deleterious effect on protein structure/function; Has not been previously published as pathogenic or benign to our knowledge

Ambry Genetics
Classification: Uncertain significance. Last evaluated: 2024-06-10. Review status: criteria provided, single submitter. Criteria: Ambry Variant Classification Scheme 2023. Collection method: clinical testing. Allele origin: germline.

NM_001206927.2(DNAH8):c.692T>C (p.Leu231Pro)

Gene: DNAH8 (dynein axonemal heavy chain 8; plus strand). Cytogenetic location: 6p21.2.
Variant type: single nucleotide variant.
Coding change: c.692T>C on transcript NM_001206927.2 (MANE Select); coding-DNA position 692, T replaced by C.
Protein change: p.Leu231Pro; replaces leucine 231 with proline.
Molecular consequence: missense variant.
Genome position (GRCh38, 1-based): chr6:38,734,555, T>C. VCF-style: chr6-38734555-T-C. GRCh37 (hg19) VCF-style: chr6-38702331-T-C.
Other names: c.41T>C, p.Leu14Pro (NM_001371.4); short protein forms L231P, L14P.
Identifiers: ClinVar variation 3272939 (VCV003272939.2).